The following is an entry in ClinVar:

ClinVar aggregate classification (germline): Uncertain significance (1 of 4 stars; one submission).

Conditions:
Short-rib thoracic dysplasia 14 with polydactyly (SRTD14). Identifiers: Orphanet 397715, MedGen C4225286, MONDO:0014688, OMIM 616546.
Joubert syndrome 23 (JBTS23). Identifiers: Orphanet 475, MedGen C4084822, MONDO:0014664, OMIM 616490.

Submission:

Labcorp Genetics (formerly Invitae), Labcorp
Classification: Uncertain significance for Joubert syndrome 23; Short-rib thoracic dysplasia 14 with polydactyly. Last evaluated: 2022-09-19. Review status: criteria provided, single submitter. Criteria: Invitae Variant Classification Sherloc (09022015). Collection method: clinical testing. Allele origin: germline.
Comment: In summary, the available evidence is currently insufficient to determine the role of this variant in disease. Therefore, it has been classified as a Variant of Uncertain Significance. Algorithms developed to predict the effect of sequence changes on RNA splicing suggest that this variant may create or strengthen a splice site. This variant has not been reported in the literature in individuals affected with KIAA0586-related conditions. This variant is present in population databases (no rsID available, gnomAD 0.0009%). This sequence change falls in intron 3 of the KIAA0586 gene. It does not directly change the encoded amino acid sequence of the KIAA0586 protein.

NM_001329943.3(KIAA0586):c.213_270+11dup

Gene: KIAA0586 (KIAA0586; plus strand). Cytogenetic location: 14q23.1.
Variant type: Duplication.
Coding change: c.213_270+11dup on transcript NM_001329943.3 (MANE Select); coding-DNA position 213 through 11 bases into the intron after coding-DNA position 270, 69 bases duplicated.
Molecular consequence: splice donor variant. On other transcripts: initiator codon variant (5).
Genome position (GRCh38, 1-based): chr14:58,429,376-58,429,444, 69 bases duplicated. GRCh37 (hg19): chr14:58,896,094-58,896,162.
Other names: c.249_306+11dup (NM_001244189.2); c.168_225+11dup (NM_001244190.2); c.-43_15+11dup (NM_001244192.2, NM_001244191.2, NM_001364701.2 and 2 more transcripts); c.213_270+11dup (NM_001329944.2, NM_001329946.2, NM_001329947.2 and 1 more transcripts).
Identifiers: ClinVar variation 2200518 (VCV002200518.5), dbSNP rs1566767113, ClinGen allele CA614355544.